The following is an entry in ClinVar:

ClinVar aggregate classification (germline): Likely benign. Review status: criteria provided, multiple submitters, no conflicts (2 of 4 stars). 2 submissions from 2 submitters: Likely benign (2). Last evaluated 2024-03-01.

Allele frequency attached by ClinVar (database versions not stated): gnomAD exomes 0.00073; gnomAD 0.00181; ExAC 0.00016; TOPMed 0.00034; 1000 Genomes Project 30x 0.00125; 1000 Genomes Project 0.00140.
gnomAD v4.1: 1,315 of 1,536,076 alleles (0.086%); highest among the groups gnomAD compares: East Asian, 0.5%; 9 homozygotes.

Submissions (2):

CeGaT Center for Human Genetics Tuebingen
Classification: Likely benign. Last evaluated: 2024-03-01. Review status: criteria provided, single submitter. Criteria: CeGaT Center For Human Genetics Tuebingen Variant Classification Criteria Version 2. Collection method: clinical testing. Allele origin: germline. Affected: yes. Observed: 1 variant allele.
Comment: RP1: BP4, BS2

Blueprint Genetics
Classification: Likely benign. Last evaluated: 2023-03-07. Review status: criteria provided, single submitter. Criteria: ACMG Guidelines, 2015. Collection method: clinical testing. Allele origin: germline.

NM_001375654.1(RP1):c.1622A>G (p.Asn541Ser)

Gene: RP1 (RP1 axonemal microtubule associated; plus strand). Cytogenetic location: 8q12.1.
Variant type: single nucleotide variant.
Coding change: c.1622A>G on transcript NM_001375654.1; coding-DNA position 1622, A replaced by G.
Protein change: p.Asn541Ser; replaces asparagine 541 with serine.
Molecular consequence: missense variant.
Genome position (GRCh38, 1-based): chr8:54,679,838, A>G. VCF-style: chr8-54679838-A-G. GRCh37 (hg19) VCF-style: chr8-55592398-A-G.
Other names: short protein forms N541S.
Identifiers: ClinVar variation 3067183 (VCV003067183.21), dbSNP rs185707813, ClinGen allele CA4752320.
Genomic context (GRCh38, chr8:54,679,838, plus strand): 5'-TTGTTTTGCTTTGTTTTTCTTTTTAGTGGACTGCAGAAAGCTGGAAGTTTACAAAAGGAA[A>G]TACTCTTCAGTTCTATAACAAGCTGACTGGAGGGTTTGTCCGTTTGCATCCAGATGGCAC-3'